The following is an entry in ClinVar:

ClinVar aggregate classification (germline): Uncertain significance (1 of 4 stars; one submission).

Conditions:
Hereditary pheochromocytoma and paraganglioma. Also called: Hereditary paragangliomas and pheochromocytomas; Hereditary Paraganglioma-Pheochromocytoma Syndromes; Hereditary pheochromocytoma-paraganglioma. Identifiers: Orphanet 29072, MedGen C4274332, MONDO:0017366.

Submission:

Labcorp Genetics (formerly Invitae), Labcorp
Classification: Uncertain significance for Hereditary pheochromocytoma and paraganglioma. Last evaluated: 2023-05-08. Review status: criteria provided, single submitter. Criteria: Invitae Variant Classification Sherloc (09022015). Collection method: clinical testing. Allele origin: germline.
Comment: This sequence change replaces asparagine, which is neutral and polar, with serine, which is neutral and polar, at codon 92 of the MAX protein (p.Asn92Ser). This variant is not present in population databases (gnomAD no frequency). This variant has not been reported in the literature in individuals affected with MAX-related conditions. An algorithm developed to predict the effect of missense changes on protein structure and function (PolyPhen-2) suggests that this variant is likely to be disruptive. In summary, the available evidence is currently insufficient to determine the role of this variant in disease. Therefore, it has been classified as a Variant of Uncertain Significance.

NM_002382.5(MAX):c.275A>G (p.Asn92Ser)

Gene: MAX (MYC associated transcriptional regulator X; minus strand). Cytogenetic location: 14q23.3.
Variant type: single nucleotide variant.
Coding change: c.275A>G on transcript NM_002382.5 (MANE Select); coding-DNA position 275, A replaced by G.
Protein change: p.Asn92Ser; replaces asparagine 92 with serine.
Molecular consequence: missense variant. On other transcripts: non-coding transcript variant (7), intron variant (2), initiator codon variant (4), 5 prime UTR variant (2).
Genome position (GRCh38, 1-based): chr14:65,077,933, T>C on the plus strand (A>G on the coding strand, the complement: MAX is on the minus strand). VCF-style: chr14-65077933-T-C. GRCh37 (hg19) VCF-style: chr14-65544651-T-C.
Other names: c.248A>G, p.Asn83Ser (NM_145112.3, NM_001407095.1, NM_001407099.1 and 6 more transcripts); c.275A>G, p.Asn92Ser (NM_145113.3, NM_001407094.1, NM_001407096.1 and 3 more transcripts); c.144+15775A>G (NM_001271069.2); c.171+15775A>G (NM_197957.4); c.1A>G, p.Met1Val (NM_001320415.2, NM_001407105.1, NM_001407106.1 and 1 more transcripts); c.167A>G, p.Asn56Ser (NM_001407098.1); c.-93A>G (NM_001407111.1, NM_001407112.1); short protein forms M1V, N56S, N83S, N92S.
Identifiers: ClinVar variation 2862616 (VCV002862616.3), dbSNP rs2504194961, ClinGen allele CA390035479.